The following is an entry in ClinVar:

ClinVar aggregate classification (germline): Conflicting classifications of pathogenicity. Review status: criteria provided, conflicting classifications (1 of 4 stars). 2 submissions from 2 submitters: Uncertain significance (1); Likely benign (1). Last evaluated 2024-05-08.

Conditions:
Fanconi anemia (FA). Also called: Fanconi's anemia. Identifiers: Orphanet 84, MedGen C0015625, MeSH D005199, MONDO:0019391.

Allele frequency attached by ClinVar (database versions not stated): gnomAD exomes below 0.00001 and 0.00001; TOPMed below 0.00001.
gnomAD v4.1: 4 of 1,612,720 alleles (0.00025%); highest among the groups gnomAD compares: Admixed American, 0.005%; no homozygotes.

Submissions (2):

Labcorp Genetics (formerly Invitae), Labcorp
Classification: Likely benign for Fanconi anemia. Last evaluated: 2024-05-08. Review status: criteria provided, single submitter. Criteria: Invitae Variant Classification Sherloc (09022015). Collection method: clinical testing. Allele origin: germline.

Quest Diagnostics Nichols Institute San Juan Capistrano
Classification: Uncertain significance. Last evaluated: 2024-01-05. Review status: criteria provided, single submitter. Criteria: Quest Diagnostics criteria. Collection method: clinical testing. Allele origin: unknown.
Comment: The FANCA c.427-6T>C variant has not been reported in individuals with FANCA-related conditions in the published literature. The frequency of this variant in the general population, 0.000087 (3/34586 chromosomes (Genome Aggregation Database)), is uninformative in the assessment of its pathogenicity. Analysis of this variant using software algorithms for the prediction of the effect of nucleotide changes on splicing yielded predictions that this variant does not affect FANCA mRNA splicing. Based on the available information, we are unable to determine the clinical significance of this variant.

NM_000135.4(FANCA):c.427-6T>C

Gene: FANCA (FA complementation group A; minus strand). Cytogenetic location: 16q24.3.
Variant type: single nucleotide variant.
Coding change: c.427-6T>C on transcript NM_000135.4 (MANE Select); 6 bases into the intron before coding-DNA position 427, T replaced by C.
Molecular consequence: intron variant.
Genome position (GRCh38, 1-based): chr16:89,810,808, A>G on the plus strand (T>C on the coding strand, the complement: FANCA is on the minus strand). VCF-style: chr16-89810808-A-G. GRCh37 (hg19) VCF-style: chr16-89877216-A-G.
Other names: c.427-6T>C (NM_000135.3, NM_001286167.3, NM_001018112.3); c.426+121T>C (NM_001351830.2).
Identifiers: ClinVar variation 1125971 (VCV001125971.10), dbSNP rs1295402252, ClinGen allele CA624454932.
Genomic context (GRCh38, chr16:89,810,808, plus strand): 5'-ACATACTGTGTGCCAATAAATACTGAGCAAACTCTAACAGGGAAGACAGCTTCTTCTGAA[A>G]AGAGAGATTACATTTTTTAAAAAACAAATTACCTGAAACAATACTAAAGCTATGTCCTAT-3'